The following is an entry in ClinVar:

ClinVar aggregate classification (germline): Uncertain significance (1 of 4 stars; one submission).

Submission:

Labcorp Genetics (formerly Invitae), Labcorp
Classification: Uncertain significance. Last evaluated: 2025-10-20. Review status: criteria provided, single submitter. Criteria: Invitae Variant Classification Sherloc (09022015). Collection method: clinical testing. Allele origin: germline.
Comment: This sequence change falls in intron 11 of the DNAJC21 gene. It does not directly change the encoded amino acid sequence of the DNAJC21 protein. It affects a nucleotide within the consensus splice site. This variant is not present in population databases (gnomAD no frequency). This variant has not been reported in the literature in individuals affected with DNAJC21-related conditions. ClinVar contains an entry for this variant (Variation ID: 2007874). Variants that disrupt the consensus splice site are a relatively common cause of aberrant splicing (PMID: 17576681, 9536098). In summary, the available evidence is currently insufficient to determine the role of this variant in disease. Therefore, it has been classified as a Variant of Uncertain Significance.

Literature cited by the submitters: PubMed 17576681; PubMed 9536098.

NM_001012339.3(DNAJC21):c.1434+5_1434+31del

Gene: DNAJC21 (DnaJ heat shock protein family (Hsp40) member C21; plus strand). Cytogenetic location: 5p13.2.
Variant type: Deletion.
Coding change: c.1434+5_1434+31del on transcript NM_001012339.3 (MANE Select); bases 5 to 31 of the intron after coding-DNA position 1434, 27 bases deleted (GTCAAAATCATATTCATATCTCTTTAG).
Molecular consequence: splice donor variant.
Genome position (GRCh38, 1-based): chr5:34,954,006-34,954,032, GTCAAAATCATATTCATATCTCTTTAG deleted; deleting any 27 consecutive bases within chr5:34,954,003-34,954,032 gives the same sequence; the c. name uses the placement nearest the transcript's 3' end. VCF-style (leftmost placement, unchanged base first): chr5-34954002-GTAGGTCAAAATCATATTCATATCTCTT-G. GRCh37 (hg19) VCF-style: chr5-34954107-GTAGGTCAAAATCATATTCATATCTCTT-G.
Other names: c.1473+5_1473+31del (NM_001348420.2); c.1569+5_1569+31del (NM_194283.4).
Identifiers: ClinVar variation 2007874 (VCV002007874.4), dbSNP rs2480673621, ClinGen allele CA2580073184.